The following is an entry in ClinVar:

NM_000083.3(CLCN1):c.991_992delinsCT (p.Ala331Leu)

Gene: CLCN1 (chloride voltage-gated channel 1; plus strand). Cytogenetic location: 7q34.
Variant type: Indel.
Coding change: c.991_992delinsCT on transcript NM_000083.3 (MANE Select); coding-DNA positions 991 to 992, GC replaced by CT.
Protein change: p.Ala331Leu; replaces alanine 331 with leucine.
Molecular consequence: missense variant. On other transcripts: non-coding transcript variant (1).
Genome position (GRCh38, 1-based): chr7:143,331,243-143,331,244, GC replaced by CT. VCF-style: chr7-143331243-GC-CT. GRCh37 (hg19) VCF-style: chr7-143028336-GC-CT.
Other names: short protein forms A331L.
Identifiers: ClinVar variation 1498050 (VCV001498050.6), dbSNP rs2116852875, ClinGen allele CA2573141796.

ClinVar aggregate classification (germline): Uncertain significance (1 of 4 stars; one submission).

Conditions:
Congenital myotonia, autosomal recessive form. Also called: Becker Generalized Myotonia; BECKER DISEASE; myotonia congenita, autosomal recessive. Identifiers: Orphanet 614, MedGen C0751360, MONDO:0009715, OMIM 255700.
Congenital myotonia, autosomal dominant form (THD). Also called: THOMSEN DISEASE; Myotonia congenita autosomal dominant. Identifiers: Orphanet 614, MedGen C2936781, MONDO:0008055, OMIM 160800.

Submission:

Labcorp Genetics (formerly Invitae), Labcorp
Classification: Uncertain significance for Congenital myotonia, autosomal recessive form; Congenital myotonia, autosomal dominant form. Last evaluated: 2021-06-12. Review status: criteria provided, single submitter. Criteria: Invitae Variant Classification Sherloc (09022015). Collection method: clinical testing. Allele origin: germline.
Comment: In summary, the available evidence is currently insufficient to determine the role of this variant in disease. Therefore, it has been classified as a Variant of Uncertain Significance. Algorithms developed to predict the effect of missense changes on protein structure and function are either unavailable or do not agree on the potential impact of this missense change (SIFT: "Not Available"; PolyPhen-2: "Probably Damaging"; Align-GVGD: "Not Available"). This variant has not been reported in the literature in individuals with CLCN1-related conditions. The frequency data for this variant in the population databases is not available, as this variant may be reported as separate entries in the ExAC database. This sequence change replaces alanine with leucine at codon 331 of the CLCN1 protein (p.Ala331Leu). The alanine residue is highly conserved and there is a moderate physicochemical difference between alanine and leucine.